The following is an entry in ClinVar:

NM_015474.4(SAMHD1):c.1229C>T (p.Ser410Phe)

Gene: SAMHD1 (SAM and HD domain containing deoxynucleoside triphosphate triphosphohydrolase 1; minus strand). Cytogenetic location: 20q11.23.
Variant type: single nucleotide variant.
Coding change: c.1229C>T on transcript NM_015474.4 (MANE Select); coding-DNA position 1229, C replaced by T.
Protein change: p.Ser410Phe; replaces serine 410 with phenylalanine.
Molecular consequence: missense variant.
Genome position (GRCh38, 1-based): chr20:36,911,259, G>A on the plus strand (C>T on the coding strand, the complement: SAMHD1 is on the minus strand). VCF-style: chr20-36911259-G-A. GRCh37 (hg19) VCF-style: chr20-35539662-G-A.
Other names: c.1229C>T, p.Ser410Phe (NM_001363729.2, NM_001363733.2); short protein forms S410F.
Identifiers: ClinVar variation 1989477 (VCV001989477.3), dbSNP rs747292001, ClinGen allele CA9844554.

ClinVar aggregate classification (germline): Uncertain significance. Review status: criteria provided, multiple submitters, no conflicts (2 of 4 stars). 2 submissions from 2 submitters: Uncertain significance (2). Last evaluated 2024-09-19.

Conditions:
Aicardi-Goutieres syndrome 5. Identifiers: Orphanet 51, MedGen C2749659, MONDO:0013059, OMIM 612952.

Allele frequency attached by ClinVar (database versions not stated): gnomAD exomes below 0.00001; ExAC 0.00001; gnomAD 0.00001; TOPMed 0.00002.
gnomAD v4.1: 2 of 1,613,254 alleles (0.00012%); highest among the groups gnomAD compares: African/African-American, 0.0027%; no homozygotes.

Submissions (2):

GeneDx
Classification: Uncertain significance. Last evaluated: 2024-09-19. Review status: criteria provided, single submitter. Criteria: GeneDx Variant Classification Process June 2021. Collection method: clinical testing. Allele origin: germline.
Comment: In silico analysis supports that this missense variant has a deleterious effect on protein structure/function; Has not been previously published as pathogenic or benign to our knowledge

Labcorp Genetics (formerly Invitae), Labcorp
Classification: Uncertain significance for Aicardi-Goutieres syndrome 5. Last evaluated: 2022-10-17. Review status: criteria provided, single submitter. Criteria: Invitae Variant Classification Sherloc (09022015). Collection method: clinical testing. Allele origin: germline.
Comment: This sequence change replaces serine, which is neutral and polar, with phenylalanine, which is neutral and non-polar, at codon 410 of the SAMHD1 protein (p.Ser410Phe). This variant is present in population databases (rs747292001, gnomAD 0.01%). This variant has not been reported in the literature in individuals affected with SAMHD1-related conditions. Advanced modeling of protein sequence and biophysical properties (such as structural, functional, and spatial information, amino acid conservation, physicochemical variation, residue mobility, and thermodynamic stability) performed at Invitae indicates that this missense variant is not expected to disrupt SAMHD1 protein function. In summary, the available evidence is currently insufficient to determine the role of this variant in disease. Therefore, it has been classified as a Variant of Uncertain Significance.